The following is an entry in ClinVar:

NM_006565.4(CTCF):c.1998G>C (p.Gln666His)

Gene: CTCF (CCCTC-binding factor; plus strand). Cytogenetic location: 16q22.1.
Variant type: single nucleotide variant.
Coding change: c.1998G>C on transcript NM_006565.4 (MANE Select); coding-DNA position 1998, G replaced by C.
Protein change: p.Gln666His; replaces glutamine 666 with histidine.
Molecular consequence: missense variant.
Genome position (GRCh38, 1-based): chr16:67,636,850, G>C. VCF-style: chr16-67636850-G-C. GRCh37 (hg19) VCF-style: chr16-67670753-G-C.
Other names: c.1014G>C, p.Gln338His (NM_001191022.2); c.1998G>C, p.Gln666His (NM_001363916.2); short protein forms Q666H, Q338H.
Identifiers: ClinVar variation 3078564 (VCV003078564.1), dbSNP rs1275809540, ClinGen allele CA396324421.
Genomic context (GRCh38, chr16:67,636,850, plus strand): 5'-ACCCGCCAAGAAGCGGAGAGGACGACCCCCTGGCAGAACCAACCAGCCCAAACAGAACCA[G>C]CGTAAGTTGTTCATCTCTGCTCTGGAGGCTGGCGTCTTCTCCGAGCATGTGGGGGAGCCA-3'
Protein context (NP_006556.1, residues 656-676): PGRTNQPKQN[Gln666His]PTAIIQVEDQ

ClinVar aggregate classification (germline): Uncertain significance (1 of 4 stars; one submission).

Conditions:
Inborn genetic diseases. Identifiers: MedGen C0950123, MeSH D030342.

Allele frequency attached by ClinVar (database versions not stated): TOPMed below 0.00001; gnomAD 0.00001.
gnomAD v4.1: 1 of 1,570,668 alleles (0.000064%); highest among the groups gnomAD compares: Non-Finnish European, 0.000087%; no homozygotes.

Submission:

Ambry Genetics
Classification: Uncertain significance for Inborn genetic diseases. Last evaluated: 2021-03-04. Review status: criteria provided, single submitter. Criteria: Ambry Variant Classification Scheme 2023. Collection method: clinical testing. Allele origin: germline.
Comment: The c.1998G>C (p.Q666H) alteration is located in exon 11 (coding exon 9) of the CTCF gene. This alteration results from a G to C substitution at nucleotide position 1998, causing the glutamine (Q) at amino acid position 666 to be replaced by a histidine (H). Based on data from the Genome Aggregation Database (gnomAD), the CTCF c.1998G>C alteration was not observed, with coverage at this position. The p.Q666 amino acid is conserved in available vertebrate species. The p.Q666H alteration is predicted to be tolerated by in silico analysis. Based on insufficient or conflicting evidence, the clinical significance of this alteration remains unclear.